The following is an entry in ClinVar:

NM_004341.5(CAD):c.3542G>A (p.Arg1181Gln)

Gene: CAD (carbamoyl-phosphate synthetase 2, aspartate transcarbamylase, and dihydroorotase; plus strand). Cytogenetic location: 2p23.3.
Variant type: single nucleotide variant.
Coding change: c.3542G>A on transcript NM_004341.5 (MANE Select); coding-DNA position 3542, G replaced by A.
Protein change: p.Arg1181Gln; replaces arginine 1181 with glutamine.
Molecular consequence: missense variant.
Genome position (GRCh38, 1-based): chr2:27,234,150, G>A. VCF-style: chr2-27234150-G-A. GRCh37 (hg19) VCF-style: chr2-27457018-G-A.
Other names: c.3353G>A, p.Arg1118Gln (NM_001306079.2); c.3542G>A (NM_004341.3); short protein forms R1181Q, R1118Q.
Identifiers: ClinVar variation 1522261 (VCV001522261.6), dbSNP rs767170005, ClinGen allele CA1573301.

ClinVar aggregate classification (germline): Uncertain significance. Review status: criteria provided, multiple submitters, no conflicts (2 of 4 stars). 2 submissions from 2 submitters: Uncertain significance (2). Last evaluated 2021-10-27.

Conditions:
Inborn genetic diseases. Identifiers: MedGen C0950123, MeSH D030342.

Allele frequency attached by ClinVar (database versions not stated): ExAC 0.00001; gnomAD exomes 0.00001 and 0.00003; gnomAD 0.00002; TOPMed 0.00002.
gnomAD v4.1: 46 of 1,614,048 alleles (0.0028%); highest among the groups gnomAD compares: Non-Finnish European, 0.0038%; no homozygotes.

Submissions (2):

Ambry Genetics
Classification: Uncertain significance for Inborn genetic diseases. Last evaluated: 2021-10-27. Review status: criteria provided, single submitter. Criteria: Ambry Variant Classification Scheme 2023. Collection method: clinical testing. Allele origin: germline.

Labcorp Genetics (formerly Invitae), Labcorp
Classification: Uncertain significance. Last evaluated: 2021-09-01. Review status: criteria provided, single submitter. Criteria: Invitae Variant Classification Sherloc (09022015). Collection method: clinical testing. Allele origin: germline.
Comment: This sequence change replaces arginine with glutamine at codon 1181 of the CAD protein (p.Arg1181Gln). The arginine residue is highly conserved and there is a small physicochemical difference between arginine and glutamine. This variant is present in population databases (rs767170005, ExAC 0.001%). This variant has not been reported in the literature in individuals affected with CAD-related conditions. Algorithms developed to predict the effect of missense changes on protein structure and function (SIFT, PolyPhen-2, Align-GVGD) all suggest that this variant is likely to be tolerated. Algorithms developed to predict the effect of sequence changes on RNA splicing suggest that this variant may create or strengthen a splice site. In summary, the available evidence is currently insufficient to determine the role of this variant in disease. Therefore, it has been classified as a Variant of Uncertain Significance.